The following is an entry in ClinVar:

NM_153747.2(PIGC):c.113G>A (p.Arg38Gln)

Genes: C1orf105 (chromosome 1 open reading frame 105; plus strand), PIGC (phosphatidylinositol glycan anchor biosynthesis class C; minus strand). Cytogenetic location: 1q24.3.
Variant type: single nucleotide variant.
Coding change: c.113G>A on transcript NM_153747.2 (MANE Select); coding-DNA position 113, G replaced by A.
Protein change: p.Arg38Gln; replaces arginine 38 with glutamine.
Molecular consequence: missense variant. On other transcripts: intron variant (1).
Genome position (GRCh38, 1-based): chr1:172,442,510, C>T on the plus strand (G>A on the coding strand, the complement: PIGC is on the minus strand). VCF-style: chr1-172442510-C-T. GRCh37 (hg19) VCF-style: chr1-172411650-C-T.
Other names: c.113G>A, p.Arg38Gln (NM_002642.4); c.22-2563C>T (NM_139240.4); short protein forms R38Q.
Identifiers: ClinVar variation 1414329 (VCV001414329.3), dbSNP rs201429163, ClinGen allele CA1246020.
Genomic context (GRCh38, chr1:172,442,510, plus strand): 5'-ACCACACTGGACTCAAATACCACAGCCCAATATTGGTATTTCCGAGCATGGATGTTTTTC[C>T]GGAGCTCTTCCAGGAATCGCCGGTCCACATAGTTATCAGGAAAGGGCTGTCGCTCATACA-3'
Protein context (NP_714969.1, residues 28-48): YVDRRFLEEL[Arg38Gln]KNIHARKYQY

ClinVar aggregate classification (germline): Uncertain significance (1 of 4 stars; one submission).

Allele frequency attached by ClinVar (database versions not stated): gnomAD 0.00007 and 0.00009; TOPMed 0.00007; gnomAD exomes 0.00014 and 0.00016; ExAC 0.00017; 1000 Genomes Project 0.00020; 1000 Genomes Project 30x 0.00031.
gnomAD v4.1: 219 of 1,614,194 alleles (0.014%); highest among the groups gnomAD compares: Middle Eastern, 0.12%; 2 homozygotes.

Submission:

Labcorp Genetics (formerly Invitae), Labcorp
Classification: Uncertain significance. Last evaluated: 2022-10-03. Review status: criteria provided, single submitter. Criteria: Invitae Variant Classification Sherloc (09022015). Collection method: clinical testing. Allele origin: germline.
Comment: This sequence change replaces arginine, which is basic and polar, with glutamine, which is neutral and polar, at codon 38 of the PIGC protein (p.Arg38Gln). This variant is present in population databases (rs201429163, gnomAD 0.06%). This variant has not been reported in the literature in individuals affected with PIGC-related conditions. ClinVar contains an entry for this variant (Variation ID: 1414329). Advanced modeling of protein sequence and biophysical properties (such as structural, functional, and spatial information, amino acid conservation, physicochemical variation, residue mobility, and thermodynamic stability) performed at Invitae indicates that this missense variant is not expected to disrupt PIGC protein function. In summary, the available evidence is currently insufficient to determine the role of this variant in disease. Therefore, it has been classified as a Variant of Uncertain Significance.